The following is an entry in ClinVar:

NM_001458.5(FLNC):c.6391G>A (p.Glu2131Lys)

Genes: FLNC-AS1 (FLNC antisense RNA 1; minus strand), FLNC (filamin C; plus strand). Cytogenetic location: 7q32.1.
Variant type: single nucleotide variant.
Coding change: c.6391G>A on transcript NM_001458.5 (MANE Select); coding-DNA position 6391, G replaced by A.
Protein change: p.Glu2131Lys; replaces glutamic acid 2131 with lysine.
Molecular consequence: missense variant.
Genome position (GRCh38, 1-based): chr7:128,853,744, G>A. VCF-style: chr7-128853744-G-A. GRCh37 (hg19) VCF-style: chr7-128493798-G-A.
Other names: c.6292G>A, p.Glu2098Lys (NM_001127487.2); short protein forms E2098K, E2131K.
Identifiers: ClinVar variation 845300 (VCV000845300.13), dbSNP rs757511370, ClinGen allele CA4475971.

ClinVar aggregate classification (germline): Uncertain significance. Review status: criteria provided, multiple submitters, no conflicts (2 of 4 stars). 3 submissions from 3 submitters: Uncertain significance (3). Last evaluated 2025-06-20.

Conditions:
Cardiovascular phenotype. Identifiers: MedGen CN230736.
Myofibrillar myopathy 5. Also called: Filaminopathy (type); FILAMINOPATHY, AUTOSOMAL DOMINANT. Identifiers: Orphanet 171445, MedGen C1836050, MONDO:0012289, OMIM 609524.
Distal myopathy with posterior leg and anterior hand involvement. Also called: WILLIAMS DISTAL MYOPATHY. Identifiers: Orphanet 63273, MedGen C3279722, MONDO:0013550, OMIM 614065.
Hypertrophic cardiomyopathy 26. Also called: Cardiomyopathy, familial hypertrophic, 26. Identifiers: Orphanet 75249, MedGen C4310749, MONDO:0014883, OMIM 617047.

Allele frequency attached by ClinVar (database versions not stated): TOPMed below 0.00001; ExAC 0.00001; gnomAD 0.00001; gnomAD exomes 0.00001.
gnomAD v4.1: 8 of 1,613,770 alleles (0.0005%); highest among the groups gnomAD compares: South Asian, 0.0033%; no homozygotes.

Submissions (3):

GeneDx
Classification: Uncertain significance. Last evaluated: 2025-06-20. Review status: criteria provided, single submitter. Criteria: GeneDx Variant Classification Process June 2021. Collection method: clinical testing. Allele origin: germline. Affected: yes.
Comment: Not observed at significant frequency in large population cohorts (gnomAD); In silico analysis supports that this missense variant has a deleterious effect on protein structure/function; Has not been previously published as pathogenic or benign to our knowledge

Labcorp Genetics (formerly Invitae), Labcorp
Classification: Uncertain significance for Distal myopathy with posterior leg and anterior hand involvement; Myofibrillar myopathy 5; Hypertrophic cardiomyopathy 26. Last evaluated: 2025-01-11. Review status: criteria provided, single submitter. Criteria: Invitae Variant Classification Sherloc (09022015). Collection method: clinical testing. Allele origin: germline.
Comment: This sequence change replaces glutamic acid, which is acidic and polar, with lysine, which is basic and polar, at codon 2131 of the FLNC protein (p.Glu2131Lys). This variant is present in population databases (rs757511370, gnomAD 0.006%). This variant has not been reported in the literature in individuals affected with FLNC-related conditions. ClinVar contains an entry for this variant (Variation ID: 845300). Invitae Evidence Modeling of protein sequence and biophysical properties (such as structural, functional, and spatial information, amino acid conservation, physicochemical variation, residue mobility, and thermodynamic stability) has been performed for this missense variant. However, the output from this modeling did not meet the statistical confidence thresholds required to predict the impact of this variant on FLNC protein function. In summary, the available evidence is currently insufficient to determine the role of this variant in disease. Therefore, it has been classified as a Variant of Uncertain Significance.

Ambry Genetics
Classification: Uncertain significance for Cardiovascular phenotype. Last evaluated: 2022-04-23. Review status: criteria provided, single submitter. Criteria: Ambry Variant Classification Scheme 2023. Collection method: clinical testing. Allele origin: germline.
Comment: The p.E2131K variant (also known as c.6391G>A), located in coding exon 39 of the FLNC gene, results from a G to A substitution at nucleotide position 6391. The glutamic acid at codon 2131 is replaced by lysine, an amino acid with similar properties. This amino acid position is conserved. In addition, the in silico prediction for this alteration is inconclusive. Since supporting evidence is limited at this time, the clinical significance of this alteration remains unclear.